The following is an entry in ClinVar:

ClinVar aggregate classification (germline): Uncertain significance (1 of 4 stars; one submission).

Submission:

Labcorp Genetics (formerly Invitae), Labcorp
Classification: Uncertain significance. Last evaluated: 2026-01-21. Review status: criteria provided, single submitter. Criteria: Invitae Variant Classification Sherloc (09022015). Collection method: clinical testing. Allele origin: germline.
Comment: This sequence change replaces aspartic acid, which is acidic and polar, with histidine, which is basic and polar, at codon 872 of the MAST1 protein (p.Asp872His). This variant is not present in population databases (gnomAD no frequency). This variant has not been reported in the literature in individuals affected with MAST1-related conditions. An algorithm developed to predict the effect of missense changes on protein structure and function (PolyPhen-2) suggests that this variant is likely to be disruptive. In summary, the available evidence is currently insufficient to determine the role of this variant in disease. Therefore, it has been classified as a Variant of Uncertain Significance.

NM_014975.3(MAST1):c.2614G>C (p.Asp872His)

Gene: MAST1 (microtubule associated serine/threonine kinase 1; plus strand). Cytogenetic location: 19p13.13.
Variant type: single nucleotide variant.
Coding change: c.2614G>C on transcript NM_014975.3 (MANE Select); coding-DNA position 2614, G replaced by C.
Protein change: p.Asp872His; replaces aspartic acid 872 with histidine.
Molecular consequence: missense variant.
Genome position (GRCh38, 1-based): chr19:12,868,690, G>C. VCF-style: chr19-12868690-G-C. GRCh37 (hg19) VCF-style: chr19-12979504-G-C.
Other names: short protein forms D872H.
Identifiers: ClinVar variation 4735965 (VCV004735965.1).